The following is an entry in ClinVar:

ClinVar aggregate classification (germline): Likely benign (1 of 4 stars; one submission).

Submission:

CeGaT Center for Human Genetics Tuebingen
Classification: Likely benign. Last evaluated: 2023-10-01. Review status: criteria provided, single submitter. Criteria: CeGaT Center For Human Genetics Tuebingen Variant Classification Criteria Version 2. Collection method: clinical testing. Allele origin: germline. Affected: yes. Observed: 1 variant allele.
Comment: NWD2: PM2:Supporting, BP4, BP7

NM_001144990.2(NWD2):c.4923G>C (p.Gly1641=)

Gene: NWD2 (NACHT and WD repeat domain containing 2; plus strand). Cytogenetic location: 4p14.
Variant type: single nucleotide variant.
Coding change: c.4923G>C on transcript NM_001144990.2 (MANE Select); coding-DNA position 4923, G replaced by C.
Protein change: p.Gly1641=; no amino-acid change (glycine 1641 retained).
Molecular consequence: synonymous variant.
Genome position (GRCh38, 1-based): chr4:37,446,911, G>C. VCF-style: chr4-37446911-G-C. GRCh37 (hg19) VCF-style: chr4-37448533-G-C.
Identifiers: ClinVar variation 2654718 (VCV002654718.24), dbSNP rs777752418, ClinGen allele CA439148064.